The following is an entry in ClinVar:

NM_001128840.3(CACNA1D):c.450T>C (p.Pro150=)

Gene: CACNA1D (calcium voltage-gated channel subunit alpha1 D; plus strand). Cytogenetic location: 3p21.1.
Variant type: single nucleotide variant.
Coding change: c.450T>C on transcript NM_001128840.3 (MANE Select); coding-DNA position 450, T replaced by C.
Protein change: p.Pro150=; no amino-acid change (proline 150 retained).
Molecular consequence: synonymous variant.
Genome position (GRCh38, 1-based): chr3:53,501,687, T>C. VCF-style: chr3-53501687-T-C. GRCh37 (hg19) VCF-style: chr3-53535714-T-C.
Other names: c.450T>C, p.Pro150= (NM_000720.4, NM_001128839.3).
Identifiers: ClinVar variation 227201 (VCV000227201.4), dbSNP rs876657433, ClinGen allele CA10576627.

ClinVar aggregate classification (germline): Likely benign (1 of 4 stars; one submission).

Allele frequency attached by ClinVar (database versions not stated): gnomAD exomes below 0.00001.
gnomAD v4.1: 3 of 1,597,258 alleles (0.00019%); highest among the groups gnomAD compares: Non-Finnish European, 0.00026%; no homozygotes.

Submission:

Laboratory for Molecular Medicine, Mass General Brigham Personalized Medicine
Classification: Likely benign. Last evaluated: 2015-07-02. Review status: criteria provided, single submitter. Criteria: LMM Criteria. Collection method: clinical testing. Allele origin: germline. Observed: 1 variant allele.
Comment: p.Pro150Pro in exon 3 of CACNA1D: This variant is not expected to have clinical significance because it does not alter an amino acid residue and is not located within the splice consensus sequence.